The following is an entry in ClinVar:

ClinVar aggregate classification (germline): Uncertain significance (1 of 4 stars; one submission).

Conditions:
Renal cell carcinoma. Identifiers: Orphanet 217071, MedGen C0007134, MeSH D002292, MONDO:0005086, HP:0005584.

Allele frequency attached by ClinVar (database versions not stated): gnomAD exomes below 0.00001.
gnomAD v4.1: 1 of 1,613,638 alleles (0.000062%); highest among the groups gnomAD compares: East Asian, 0.0022%; no homozygotes.

Submission:

Labcorp Genetics (formerly Invitae), Labcorp
Classification: Uncertain significance for Renal cell carcinoma. Last evaluated: 2020-10-19. Review status: criteria provided, single submitter. Criteria: Invitae Variant Classification Sherloc (09022015). Collection method: clinical testing. Allele origin: germline.
Comment: This variant is not present in population databases (ExAC no frequency). In summary, the available evidence is currently insufficient to determine the role of this variant in disease. Therefore, it has been classified as a Variant of Uncertain Significance. Nucleotide substitutions within the consensus splice site are a relatively common cause of aberrant splicing (PMID: 17576681, 9536098). Algorithms developed to predict the effect of sequence changes on RNA splicing suggest that this variant is not likely to affect RNA splicing, but this prediction has not been confirmed by published transcriptional studies. This variant has not been reported in the literature in individuals with MET-related disease. This sequence change falls in intron 8 of the MET gene. It does not directly change the encoded amino acid sequence of the MET protein, but it affects a nucleotide within the consensus splice site of the intron.

Literature cited by the submitters: PubMed 17576681; PubMed 9536098.

NM_000245.4(MET):c.2102+4T>C

Gene: MET (MET proto-oncogene, receptor tyrosine kinase; plus strand). Cytogenetic location: 7q31.2.
Variant type: single nucleotide variant.
Coding change: c.2102+4T>C on transcript NM_000245.4 (MANE Select); 4 bases into the intron after coding-DNA position 2102, T replaced by C.
Molecular consequence: intron variant.
Genome position (GRCh38, 1-based): chr7:116,757,778, T>C. VCF-style: chr7-116757778-T-C. GRCh37 (hg19) VCF-style: chr7-116397832-T-C.
Other names: c.2102+4T>C (NM_001127500.3, NM_001324401.3); c.812+4T>C (NM_001324402.2).
Identifiers: ClinVar variation 641226 (VCV000641226.10), dbSNP rs200601372, ClinGen allele CA164893635.
Genomic context (GRCh38, chr7:116,757,778, plus strand): 5'-AAACAGTGGGAATTCTAGACACATTTCAATTGGTGGAAAAACATGTACTTTAAAAAGGTG[T>C]TGTAAATTTATTTTTTGTTGCATCTGTCAATTTGAATTAATATCTGTACCTTAAAAATTA-3'